The following is an entry in ClinVar:

ClinVar aggregate classification (germline): Conflicting classifications of pathogenicity. Review status: criteria provided, conflicting classifications (1 of 4 stars). 4 submissions from 4 submitters: Uncertain significance (3); Likely benign (1). Last evaluated 2024-11-25.

Conditions:
Fish-eye disease (FED). Also called: LCATA DEFICIENCY; ALPHA-LCAT DEFICIENCY; DYSLIPOPROTEINEMIC CORNEAL DYSTROPHY. Identifiers: Orphanet 650, Orphanet 79292, MedGen C0342895, MONDO:0007620, OMIM 136120.
Norum disease. Also called: Familial lecithin cholesterol acyltransferase deficiency. Identifiers: Orphanet 79293, MedGen C0023195, MONDO:0009515, OMIM 245900.

Allele frequency attached by ClinVar (database versions not stated): gnomAD 0.00007 and 0.00009; TOPMed 0.00009; gnomAD exomes 0.00013 and 0.00016; ExAC 0.00028; 1000 Genomes Project 30x 0.00047; 1000 Genomes Project 0.00060.
gnomAD v4.1: 197 of 1,548,190 alleles (0.013%); highest among the groups gnomAD compares: Middle Eastern, 0.41%; 1 homozygote.

Submissions (4):

Blueprint Genetics
Classification: Likely benign. Last evaluated: 2024-11-25. Review status: criteria provided, single submitter. Criteria: ACMG Guidelines, 2015. Collection method: clinical testing. Allele origin: germline.

Labcorp Genetics (formerly Invitae), Labcorp
Classification: Uncertain significance. Last evaluated: 2022-08-12. Review status: criteria provided, single submitter. Criteria: Invitae Variant Classification Sherloc (09022015). Collection method: clinical testing. Allele origin: germline.
Comment: This sequence change replaces threonine, which is neutral and polar, with methionine, which is neutral and non-polar, at codon 12 of the LCAT protein (p.Thr12Met). This variant is present in population databases (rs560140762, gnomAD 0.05%). This missense change has been observed in individual(s) with low high-density lipoprotein cholesterol (PMID: 15994445, 21901787, 33816482). This variant is also known as T-13M. ClinVar contains an entry for this variant (Variation ID: 1348002). Algorithms developed to predict the effect of missense changes on protein structure and function (SIFT, PolyPhen-2, Align-GVGD) all suggest that this variant is likely to be tolerated. In summary, the available evidence is currently insufficient to determine the role of this variant in disease. Therefore, it has been classified as a Variant of Uncertain Significance.

New York Genome Center
Classification: Uncertain significance for Norum disease; Fish-eye disease. Last evaluated: 2021-12-21. Review status: criteria provided, single submitter. Criteria: NYGC Assertion Criteria 2020. Collection method: clinical testing. Allele origin: germline. Observed: 1 heterozygote.

Breakthrough Genomics
Classification: Uncertain significance. Review status: criteria provided, single submitter. Criteria: ACMG Guidelines, 2015. Collection method: not provided. Allele origin: germline. Inheritance: Autosomal recessive inheritance. Affected: yes.

Literature cited by the submitters: PubMed 15994445 (cited by Labcorp Genetics (formerly Invitae), Labcorp); PubMed 21901787 (cited by Labcorp Genetics (formerly Invitae), Labcorp); PubMed 33816482 (cited by Labcorp Genetics (formerly Invitae), Labcorp).

NM_000229.2(LCAT):c.35C>T (p.Thr12Met)

Genes: LCAT (lecithin-cholesterol acyltransferase; minus strand), SLC12A4 (solute carrier family 12 member 4; minus strand). Cytogenetic location: 16q22.1.
Variant type: single nucleotide variant.
Coding change: c.35C>T on transcript NM_000229.2 (MANE Select); coding-DNA position 35, C replaced by T.
Protein change: p.Thr12Met; replaces threonine 12 with methionine.
Molecular consequence: missense variant. On other transcripts: 3 prime UTR variant (5).
Genome position (GRCh38, 1-based): chr16:67,944,067, G>A on the plus strand (C>T on the coding strand, the complement: LCAT is on the minus strand). VCF-style: chr16-67944067-G-A. GRCh37 (hg19) VCF-style: chr16-67977970-G-A.
Other names: c.*773C>T (NM_001145961.2, NM_001145962.1, NM_001145963.2 and 2 more transcripts); short protein forms T12M.
Identifiers: ClinVar variation 1348002 (VCV001348002.7), dbSNP rs560140762, ClinGen allele CA8121180.